The following is an entry in ClinVar:

NM_002796.3(PSMB4):c.571dup (p.Ala191fs)

Gene: PSMB4 (proteasome 20S subunit beta 4; plus strand). Cytogenetic location: 1q21.3.
Variant type: Duplication.
Coding change: c.571dup on transcript NM_002796.3 (MANE Select); coding-DNA position 571, one base duplicated (G; older notation c.571dupG).
Protein change: p.Ala191fs; shifts the reading frame from alanine 191.
Molecular consequence: frameshift variant.
Genome position (GRCh38, 1-based): chr1:151,400,840, G duplicated; the last of 2 consecutive G bases (chr1:151,400,839-151,400,840); duplicating either gives the same sequence. VCF-style (leftmost placement, unchanged base first): chr1-151400838-T-TG. GRCh37 (hg19) VCF-style: chr1-151373314-T-TG.
Other names: short protein forms A191fs.
Identifiers: ClinVar variation 2104856 (VCV002104856.4), dbSNP rs2529158462, ClinGen allele CA2580061018.

ClinVar aggregate classification (germline): Uncertain significance (1 of 4 stars; one submission).

Submission:

Labcorp Genetics (formerly Invitae), Labcorp
Classification: Uncertain significance. Last evaluated: 2022-02-28. Review status: criteria provided, single submitter. Criteria: Invitae Variant Classification Sherloc (09022015). Collection method: clinical testing. Allele origin: germline.
Comment: This sequence change creates a premature translational stop signal (p.Ala191Glyfs*53) in the PSMB4 gene. It is expected to result in an absent or disrupted protein product. However, the current clinical and genetic evidence is not sufficient to establish whether loss-of-function variants in PSMB4 cause disease. In summary, the available evidence is currently insufficient to determine the role of this variant in disease. Therefore, it has been classified as a Variant of Uncertain Significance. This variant has not been reported in the literature in individuals affected with PSMB4-related conditions. This variant is not present in population databases (gnomAD no frequency).